The following is an entry in ClinVar:

NM_000051.4(ATM):c.785T>G (p.Leu262Trp)

Gene: ATM (ATM serine/threonine kinase; plus strand). Cytogenetic location: 11q22.3.
Variant type: single nucleotide variant.
Coding change: c.785T>G on transcript NM_000051.4 (MANE Select); coding-DNA position 785, T replaced by G.
Protein change: p.Leu262Trp; replaces leucine 262 with tryptophan.
Molecular consequence: missense variant.
Genome position (GRCh38, 1-based): chr11:108,244,910, T>G. VCF-style: chr11-108244910-T-G. GRCh37 (hg19) VCF-style: chr11-108115637-T-G.
Other names: c.785T>G, p.Leu262Trp (NM_001351834.2); short protein forms L262W.
Identifiers: ClinVar variation 232568 (VCV000232568.11), dbSNP rs864622163, ClinGen allele CA10578977.
Genomic context (GRCh38, chr11:108,244,910, plus strand): 5'-CTTTGGCTGTCAACTTTCGAATTCGAGTGTGTGAATTAGGAGATGAAATTCTTCCCACTT[T>G]GCTTTATATTTGGACTCAACATAGGCTTAATGATTCTTTAAAAGAAGTCATTATTGAATT-3'
Protein context (NP_000042.3, residues 252-272): CELGDEILPT[Leu262Trp]LYIWTQHRLN

ClinVar aggregate classification (germline): Uncertain significance. Review status: criteria provided, multiple submitters, no conflicts (2 of 4 stars). 2 submissions from 2 submitters: Uncertain significance (2). Last evaluated 2026-01-08.

Conditions:
Ataxia-telangiectasia syndrome (AT). Also called: Ataxia telangiectasia (A-T); Ataxia-telangiectasia, complementation group E; LOUIS-BAR SYNDROME; Cerebello-oculocutaneous telangiectasia; Immunodeficiency with ataxia telangiectasia; Ataxia-telangiectasia, complementation group D. Identifiers: Orphanet 100, MedGen C0004135, MONDO:0008840, OMIM 208900.
Hereditary cancer-predisposing syndrome. Also called: Hereditary Cancer Syndrome; Neoplastic Syndromes, Hereditary; Tumor predisposition; Hereditary neoplastic syndrome. Identifiers: Orphanet 140162, MedGen C0027672, MeSH D009386, MONDO:0015356.

Submissions (2):

Labcorp Genetics (formerly Invitae), Labcorp
Classification: Uncertain significance for Ataxia-telangiectasia syndrome. Last evaluated: 2026-01-08. Review status: criteria provided, single submitter. Criteria: Invitae Variant Classification Sherloc (09022015). Collection method: clinical testing. Allele origin: germline.
Comment: This sequence change replaces leucine, which is neutral and non-polar, with tryptophan, which is neutral and slightly polar, at codon 262 of the ATM protein (p.Leu262Trp). This variant is not present in population databases (gnomAD no frequency). This variant has not been reported in the literature in individuals affected with ATM-related conditions. ClinVar contains an entry for this variant (Variation ID: 232568). Invitae Evidence Modeling of protein sequence and biophysical properties (such as structural, functional, and spatial information, amino acid conservation, physicochemical variation, residue mobility, and thermodynamic stability) indicates that this missense variant is not expected to disrupt ATM protein function with a negative predictive value of 95%. In summary, the available evidence is currently insufficient to determine the role of this variant in disease. Therefore, it has been classified as a Variant of Uncertain Significance.

Ambry Genetics
Classification: Uncertain significance for Hereditary cancer-predisposing syndrome. Last evaluated: 2025-01-17. Review status: criteria provided, single submitter. Criteria: Ambry Variant Classification Scheme 2023. Collection method: clinical testing. Allele origin: germline.
Comment: The p.L262W variant (also known as c.785T>G), located in coding exon 6 of the ATM gene, results from a T to G substitution at nucleotide position 785. The leucine at codon 262 is replaced by tryptophan, an amino acid with similar properties. This amino acid position is not well conserved in available vertebrate species. In addition, the in silico prediction for this alteration is inconclusive. Based on the available evidence, the clinical significance of this variant remains unclear.